The following is an entry in ClinVar:

ClinVar aggregate classification (germline): Likely benign (0 of 4 stars; one submission).

Conditions:
HIVEP3-related disorder. Also called: HIVEP3-related condition.

Allele frequency attached by ClinVar (database versions not stated): TOPMed 0.00001; gnomAD 0.00003; ExAC 0.00007.
gnomAD v4.1: 87 of 1,613,966 alleles (0.0054%); highest among the groups gnomAD compares: Middle Eastern, 0.049%; 1 homozygote.

Submission:

PreventionGenetics, part of Exact Sciences
Classification: Likely benign for HIVEP3-related condition. Last evaluated: 2020-01-09. Review status: no assertion criteria provided. Collection method: clinical testing. Allele origin: germline.
Comment: This variant is classified as likely benign based on ACMG/AMP sequence variant interpretation guidelines (Richards et al. 2015 PMID: 25741868, with internal and published modifications).

NM_024503.5(HIVEP3):c.1929C>T (p.Tyr643=)

Gene: HIVEP3 (HIVEP zinc finger 3; minus strand). Cytogenetic location: 1p34.2.
Variant type: single nucleotide variant.
Coding change: c.1929C>T on transcript NM_024503.5 (MANE Select); coding-DNA position 1929, C replaced by T.
Protein change: p.Tyr643=; no amino-acid change (tyrosine 643 retained).
Molecular consequence: synonymous variant.
Genome position (GRCh38, 1-based): chr1:41,582,869, G>A on the plus strand (C>T on the coding strand, the complement: HIVEP3 is on the minus strand). VCF-style: chr1-41582869-G-A. GRCh37 (hg19) VCF-style: chr1-42048540-G-A.
Other names: c.1929C>T, p.Tyr643= (NM_001127714.3).
Identifiers: ClinVar variation 3052240 (VCV003052240.2), dbSNP rs767878729, ClinGen allele CA798131.